The following is an entry in ClinVar:

ClinVar aggregate classification (germline): Uncertain significance. Review status: criteria provided, multiple submitters, no conflicts (2 of 4 stars). 2 submissions from 2 submitters: Uncertain significance (2). Last evaluated 2026-08-25.

Conditions:
POMC-related disorder. Also called: POMC-related disorders; POMC-related condition.

Allele frequency attached by ClinVar (database versions not stated): gnomAD exomes 0.00001 and 0.00005; ExAC 0.00006.
gnomAD v4.1: 14 of 1,556,664 alleles (0.0009%); highest among the groups gnomAD compares: Admixed American, 0.017%; no homozygotes.

Submissions (2):

PreventionGenetics, part of Exact Sciences
Classification: Uncertain significance for POMC-related condition. Last evaluated: 2026-08-25. Review status: criteria provided, single submitter. Criteria: ACMG Guidelines, 2015. Collection method: clinical testing. Allele origin: germline.
Comment: The POMC c.289A>C variant is predicted to result in the amino acid substitution p.Ser97Arg. To our knowledge, this variant has not been reported in the literature. Based on an in vitro functional study, this variant was reported to lead to gain of function (Supplemental Data Set, Shah et al. 2023. PubMed ID: 36864747). Of note, other variants impacting the p.Ser97 amino acid were also evaluated; however, only one other variant showed evidence of gain of function (p.Ser97Ile) and other variants had functional data similar to wild type levels (p.Ser97Thr, p.Ser97Asn, p.Ser97Cys, and p.Ser97Gly). This variant is reported in 0.032% of alleles in individuals of Latino descent in gnomAD. At this time, the clinical significance of this variant is uncertain due to the absence of conclusive functional and genetic evidence.

Genetic Services Laboratory, University of Chicago
Classification: Uncertain significance. Last evaluated: 2016-02-01. Review status: criteria provided, single submitter. Criteria: ACMG Guidelines, 2015. Collection method: clinical testing. Allele origin: germline. Affected: no.

NM_000939.4(POMC):c.289A>C (p.Ser97Arg)

Gene: POMC (proopiomelanocortin; minus strand). Cytogenetic location: 2p23.3.
Variant type: single nucleotide variant.
Coding change: c.289A>C on transcript NM_000939.4 (MANE Select); coding-DNA position 289, A replaced by C.
Protein change: p.Ser97Arg; replaces serine 97 with arginine.
Molecular consequence: missense variant.
Genome position (GRCh38, 1-based): chr2:25,161,596, T>G on the plus strand (A>C on the coding strand, the complement: POMC is on the minus strand). VCF-style: chr2-25161596-T-G. GRCh37 (hg19) VCF-style: chr2-25384465-T-G.
Other names: c.289A>C, p.Ser97Arg (NM_001035256.3, NM_001319204.2, NM_001319205.2); c.289A>C (NM_000939.3); short protein forms S97R.
Identifiers: ClinVar variation 436362 (VCV000436362.9), dbSNP rs746125905, ClinGen allele CA1555332.